The following is an entry in ClinVar:

NM_001258248.2(SP6):c.881G>T (p.Arg294Leu)

Gene: SP6 (Sp6 transcription factor; minus strand). Cytogenetic location: 17q21.32.
Variant type: single nucleotide variant.
Coding change: c.881G>T on transcript NM_001258248.2 (MANE Select); coding-DNA position 881, G replaced by T.
Protein change: p.Arg294Leu; replaces arginine 294 with leucine.
Molecular consequence: missense variant.
Genome position (GRCh38, 1-based): chr17:47,847,549, C>A on the plus strand (G>T on the coding strand, the complement: SP6 is on the minus strand). VCF-style: chr17-47847549-C-A. GRCh37 (hg19) VCF-style: chr17-45924915-C-A.
Other names: c.881G>T, p.Arg294Leu (NM_199262.3); short protein forms R294L.
Identifiers: ClinVar variation 4993673 (VCV004993673.1).
Genomic context (GRCh38, chr17:47,847,549, plus strand): 5'-AACTTCTTGGTGCCGGTGTGGGTCTGGAGGTGGCGCTGCAGCTCGTCCGAGCGCGTGAAG[C>A]GCTTGCCGCAGAAGAGCCAGTTGCACACGAAGGGACGGTCGCCGCTGTGCCAGCGCAGGT-3'
Protein context (NP_001245177.1, residues 284-304): FVCNWLFCGK[Arg294Leu]FTRSDELQRH

ClinVar aggregate classification (germline): Uncertain significance (1 of 4 stars; one submission).

Conditions:
SP6-related condition.

Submission:

PreventionGenetics, part of Exact Sciences
Classification: Uncertain significance for SP6-related condition. Last evaluated: 2026-07-28. Review status: criteria provided, single submitter. Criteria: ACMG Guidelines, 2015. Collection method: clinical testing. Allele origin: germline.
Comment: The SP6 c.881G>T variant is predicted to result in the amino acid substitution p.Arg294Leu. To our knowledge, this variant has not been reported in the literature. This variant is reported in 0.0046% of alleles in individuals of European (Finnish) descent in gnomAD. At this time, the clinical significance of this variant is uncertain due to the absence of conclusive functional and genetic evidence.